The following is an entry in ClinVar:

NM_000143.4(FH):c.379-15A>T

Gene: FH (fumarate hydratase; minus strand). Cytogenetic location: 1q43.
Variant type: single nucleotide variant.
Coding change: c.379-15A>T on transcript NM_000143.4 (MANE Select); 15 bases into the intron before coding-DNA position 379, A replaced by T.
Molecular consequence: intron variant.
Genome position (GRCh38, 1-based): chr1:241,512,158, T>A on the plus strand (A>T on the coding strand, the complement: FH is on the minus strand). VCF-style: chr1-241512158-T-A. GRCh37 (hg19) VCF-style: chr1-241675458-T-A.
Identifiers: ClinVar variation 296874 (VCV000296874.26), dbSNP rs374529177, ClinGen allele CA1478691.

ClinVar aggregate classification (germline): Conflicting classifications of pathogenicity. Review status: criteria provided, conflicting classifications (1 of 4 stars). 9 submissions from 8 submitters: Uncertain significance (1); Benign (3); Likely benign (5). Last evaluated 2026-01-28.

Conditions:
Hereditary leiomyomatosis and renal cell cancer. Also called: MULTIPLE CUTANEOUS AND UTERINE LEIOMYOMATA 1, WITH OR WITHOUT RENAL CELL CARCINOMA; Reed syndrome; Multiple cutaneous and uterine leiomyomatosis; Cutaneous leiomyomata with uterine leiomyomata; Leiomyoma, hereditary multiple, of skin; Multiple cutaneous and uterine leiomyomata. Identifiers: Orphanet 523, MedGen C1708350, MONDO:0007888, OMIM 150800, HP:0007437. Disease mechanism: loss of function.
Fumarase deficiency (FMRD). Also called: Fumarate Hydratase Deficiency; Fumaric aciduria. Identifiers: Orphanet 24, MedGen C0342770, MONDO:0011730, OMIM 606812.

Allele frequency attached by ClinVar (database versions not stated): gnomAD exomes 0.00002 and 0.00012; ESP Exome Variant Server 0.00008; TOPMed 0.00009; gnomAD 0.00011 and 0.00012; ExAC 0.00013.

Submissions (9):

Labcorp Genetics (formerly Invitae), Labcorp
Classification: Likely benign. Last evaluated: 2026-01-28. Review status: criteria provided, single submitter. Criteria: Invitae Variant Classification Sherloc (09022015). Collection method: clinical testing. Allele origin: germline.

Center for Genomic Medicine, Rigshospitalet, Copenhagen University Hospital
Classification: Likely benign. Last evaluated: 2025-03-04. Review status: criteria provided, single submitter. Criteria: ACMG Guidelines, 2015. Collection method: clinical testing. Allele origin: germline.

KCCC/NGS Laboratory, Kuwait Cancer Control Center
Classification: Benign for Hereditary leiomyomatosis and renal cell cancer. Last evaluated: 2025-02-01. Review status: criteria provided, single submitter. Criteria: ACMG Guidelines, 2015. Collection method: clinical testing. Allele origin: germline. Affected: no.

ARUP Laboratories, Molecular Genetics and Genomics, ARUP Laboratories
Classification: Likely benign. Last evaluated: 2024-12-30. Review status: criteria provided, single submitter. Criteria: ARUP Molecular Germline Variant Investigation Process 2024. Collection method: clinical testing. Allele origin: germline.

Myriad Genetics, Inc.
Classification: Benign for Hereditary leiomyomatosis and renal cell cancer. Last evaluated: 2024-09-11. Review status: criteria provided, single submitter. Criteria: Myriad Autosomal Dominant, Autosomal Recessive and X-Linked Classification Criteria (2023). Collection method: clinical testing. Allele origin: unknown.
Comment: This variant is considered benign. This variant is intronic and is not expected to impact mRNA splicing. This variant has been observed at a population frequency that is significantly greater than expected given the associated disease prevalence and penetrance.

Blueprint Genetics
Classification: Likely benign. Last evaluated: 2024-06-12. Review status: criteria provided, single submitter. Criteria: ACMG Guidelines, 2015. Collection method: clinical testing. Allele origin: germline.

Illumina Laboratory Services, Illumina
Classification: Benign for Hereditary leiomyomatosis and renal cell cancer. Last evaluated: 2018-01-13. Review status: criteria provided, single submitter. Criteria: ICSL Variant Classification Criteria 13 December 2019. Collection method: clinical testing. Allele origin: germline.
Comment: This variant was observed in the ICSL laboratory as part of a predisposition screen in an ostensibly healthy population. It had not been previously curated by ICSL or reported in the Human Gene Mutation Database (HGMD: prior to June 1st, 2018), and was therefore a candidate for classification through an automated scoring system. Utilizing variant allele frequency, disease prevalence and penetrance estimates, and inheritance mode, an automated score was calculated to assess if this variant is too frequent to cause the disease. Based on the score and internal cut-off values, a variant classified as benign is not then subjected to further curation. The score for this variant resulted in a classification of benign for this disease.

Illumina Laboratory Services, Illumina
Classification: Uncertain significance for Fumarase deficiency. Last evaluated: 2018-01-13. Review status: criteria provided, single submitter. Criteria: ICSL Variant Classification Criteria 13 December 2019. Collection method: clinical testing. Allele origin: germline.

GeneDx
Classification: Likely benign. Last evaluated: 2016-03-17. Review status: criteria provided, single submitter. Criteria: GeneDx Variant Classification (06012015). Collection method: clinical testing. Allele origin: germline. Affected: yes.
Comment: This variant is considered likely benign or benign based on one or more of the following criteria: it is a conservative change, it occurs at a poorly conserved position in the protein, it is predicted to be benign by multiple in silico algorithms, and/or has population frequency not consistent with disease.